The following is an entry in ClinVar:

NM_004385.5(VCAN):c.1855A>G (p.Met619Val)

Gene: VCAN (versican; plus strand). Cytogenetic location: 5q14.3.
Variant type: single nucleotide variant.
Coding change: c.1855A>G on transcript NM_004385.5 (MANE Select); coding-DNA position 1855, A replaced by G.
Protein change: p.Met619Val; replaces methionine 619 with valine.
Molecular consequence: missense variant. On other transcripts: intron variant (2).
Genome position (GRCh38, 1-based): chr5:83,520,161, A>G. VCF-style: chr5-83520161-A-G. GRCh37 (hg19) VCF-style: chr5-82815980-A-G.
Other names: c.1855A>G, p.Met619Val (NM_001164098.2); c.1042+7765A>G (NM_001164097.2, NM_001126336.3); short protein forms M619V.
Identifiers: ClinVar variation 2868069 (VCV002868069.3), dbSNP rs112532091, ClinGen allele CA121791474.

ClinVar aggregate classification (germline): Uncertain significance (1 of 4 stars; one submission).

Allele frequency attached by ClinVar (database versions not stated): gnomAD exomes below 0.00001; TOPMed below 0.00001.
gnomAD v4.1: 5 of 1,614,076 alleles (0.00031%); highest among the groups gnomAD compares: African/African-American, 0.0013%; no homozygotes.

Submission:

Labcorp Genetics (formerly Invitae), Labcorp
Classification: Uncertain significance. Last evaluated: 2023-10-15. Review status: criteria provided, single submitter. Criteria: Invitae Variant Classification Sherloc (09022015). Collection method: clinical testing. Allele origin: germline.
Comment: This sequence change replaces methionine, which is neutral and non-polar, with valine, which is neutral and non-polar, at codon 619 of the VCAN protein (p.Met619Val). This variant is not present in population databases (gnomAD no frequency). This variant has not been reported in the literature in individuals affected with VCAN-related conditions. Algorithms developed to predict the effect of missense changes on protein structure and function output the following: SIFT: "Not Available"; PolyPhen-2: "Benign"; Align-GVGD: "Not Available". The valine amino acid residue is found in multiple mammalian species, which suggests that this missense change does not adversely affect protein function. In summary, the available evidence is currently insufficient to determine the role of this variant in disease. Therefore, it has been classified as a Variant of Uncertain Significance.